The following is an entry in ClinVar:

ClinVar aggregate classification (germline): Uncertain significance. Review status: criteria provided, multiple submitters, no conflicts (2 of 4 stars). 2 submissions from 2 submitters: Uncertain significance (2). Last evaluated 2023-08-10.

Conditions:
Inborn genetic diseases. Identifiers: MedGen C0950123, MeSH D030342.

Allele frequency attached by ClinVar (database versions not stated): ExAC 0.00001; gnomAD 0.00001; TOPMed 0.00001; gnomAD exomes 0.00002.

Submissions (2):

Labcorp Genetics (formerly Invitae), Labcorp
Classification: Uncertain significance. Last evaluated: 2023-08-10. Review status: criteria provided, single submitter. Criteria: Invitae Variant Classification Sherloc (09022015). Collection method: clinical testing. Allele origin: germline.
Comment: In summary, the available evidence is currently insufficient to determine the role of this variant in disease. Therefore, it has been classified as a Variant of Uncertain Significance. An algorithm developed to predict the effect of missense changes on protein structure and function (PolyPhen-2) suggests that this variant is likely to be tolerated. ClinVar contains an entry for this variant (Variation ID: 1981549). This variant has not been reported in the literature in individuals affected with USP7-related conditions. This variant is present in population databases (rs776602318, gnomAD 0.01%). This sequence change replaces isoleucine, which is neutral and non-polar, with valine, which is neutral and non-polar, at codon 660 of the USP7 protein (p.Ile660Val).

Ambry Genetics
Classification: Uncertain significance for Inborn genetic diseases. Last evaluated: 2021-09-16. Review status: criteria provided, single submitter. Criteria: Ambry Variant Classification Scheme 2023. Collection method: clinical testing. Allele origin: germline.

NM_003470.3(USP7):c.1978A>G (p.Ile660Val)

Gene: USP7 (ubiquitin specific peptidase 7; minus strand). Cytogenetic location: 16p13.2.
Variant type: single nucleotide variant.
Coding change: c.1978A>G on transcript NM_003470.3 (MANE Select); coding-DNA position 1978, A replaced by G.
Protein change: p.Ile660Val; replaces isoleucine 660 with valine.
Molecular consequence: missense variant. On other transcripts: non-coding transcript variant (1).
Genome position (GRCh38, 1-based): chr16:8,902,151, T>C on the plus strand (A>G on the coding strand, the complement: USP7 is on the minus strand). VCF-style: chr16-8902151-T-C. GRCh37 (hg19) VCF-style: chr16-8996008-T-C.
Other names: c.1930A>G, p.Ile644Val (NM_001286457.2); c.1681A>G, p.Ile561Val (NM_001286458.2); c.1804A>G, p.Ile602Val (NM_001321858.2); short protein forms I644V, I602V, I561V, I660V.
Identifiers: ClinVar variation 1981549 (VCV001981549.5), dbSNP rs776602318, ClinGen allele CA7895187.